The following is an entry in ClinVar:

ClinVar aggregate classification (germline): Conflicting classifications of pathogenicity. Review status: criteria provided, conflicting classifications (1 of 4 stars). 12 submissions from 12 submitters: Uncertain significance (8); Likely benign (3). 1 of the submissions does not count toward it. Last evaluated 2026-02-11.

Conditions:
BRCA2-related disorder. Also called: BRCA2-related condition; BRCA2-related disorders. Identifiers: MedGen CN239275.
Hereditary cancer-predisposing syndrome. Also called: Hereditary Cancer Syndrome; Neoplastic Syndromes, Hereditary; Hereditary neoplastic syndrome; Tumor predisposition. Identifiers: Orphanet 140162, MedGen C0027672, MeSH D009386, MONDO:0015356.
Hereditary breast ovarian cancer syndrome. Also called: Hereditary breast and ovarian cancer syndrome; Breast and ovarian cancer; BRCA1- and BRCA2-Associated Hereditary Breast and Ovarian Cancer; Hereditary breast and/or ovarian cancer syndrome; Hereditary breast and ovarian cancer; Hereditary breast and ovarian cancer syndrome (HBOC). Identifiers: Orphanet 145, MedGen C0677776, MeSH D061325, MONDO:0003582. Disease mechanism: loss of function.
Breast-ovarian cancer, familial, susceptibility to, 2 (BROVCA2). Also called: BRCA2 Hereditary Breast and Ovarian Cancer. Identifiers: Orphanet 145, MedGen C2675520, MONDO:0012933, OMIM 612555. Disease mechanism: loss of function.

Allele frequency attached by ClinVar (database versions not stated): gnomAD below 0.00001 and 0.00001; TOPMed below 0.00001; ExAC 0.00001; gnomAD exomes 0.00001 and 0.00002.
gnomAD v4.1: 29 of 1,614,002 alleles (0.0018%); highest among the groups gnomAD compares: Non-Finnish European, 0.0022%; no homozygotes.

Submissions (12):

St. Jude Molecular Pathology, St. Jude Children's Research Hospital
Classification: Uncertain significance for Breast-ovarian cancer, familial, susceptibility to, 2. Last evaluated: 2026-02-11. Review status: criteria provided, single submitter. Criteria: St. Jude Assertion Criteria 2020. Collection method: clinical testing. Allele origin: germline.
Comment: The BRCA2 c.3458A>G p.(Lys1153Arg) missense change has a maximum subpopulation frequency of 0.003% in gnomAD v2.1.1. The in silico tool REVEL predicts a benign effect on protein function, but to our knowledge this prediction has not been confirmed by functional studies. To our knowledge, this variant has not been reported in individuals with BRCA2-related disease. In summary, the evidence currently available is insufficient to determine the clinical significance of this variant. It has therefore been classified as of uncertain significance.

Labcorp Genetics (formerly Invitae), Labcorp
Classification: Uncertain significance for Hereditary breast ovarian cancer syndrome. Last evaluated: 2025-12-21. Review status: criteria provided, single submitter. Criteria: Invitae Variant Classification Sherloc (09022015). Collection method: clinical testing. Allele origin: germline.
Comment: This sequence change replaces lysine, which is basic and polar, with arginine, which is basic and polar, at codon 1153 of the BRCA2 protein (p.Lys1153Arg). This variant is present in population databases (rs80358594, gnomAD 0.003%). This variant has not been reported in the literature in individuals affected with BRCA2-related conditions. ClinVar contains an entry for this variant (Variation ID: 51471). Invitae Evidence Modeling of protein sequence and biophysical properties (such as structural, functional, and spatial information, amino acid conservation, physicochemical variation, residue mobility, and thermodynamic stability) indicates that this missense variant is not expected to disrupt BRCA2 protein function with a negative predictive value of 95%. In summary, the available evidence is currently insufficient to determine the role of this variant in disease. Therefore, it has been classified as a Variant of Uncertain Significance.

Color Diagnostics, LLC DBA Color Health
Classification: Likely benign for Hereditary cancer-predisposing syndrome. Last evaluated: 2025-07-05. Review status: criteria provided, single submitter. Criteria: ACMG Guidelines, 2015. Collection method: clinical testing. Allele origin: germline.

PreventionGenetics, part of Exact Sciences
Classification: Uncertain significance for BRCA2-related condition. Last evaluated: 2024-10-14. Review status: criteria provided, single submitter. Criteria: ACMG Guidelines, 2015. Collection method: clinical testing. Allele origin: germline.
Comment: The BRCA2 c.3458A>G variant is predicted to result in the amino acid substitution p.Lys1153Arg. This variant has been seen in a patient with adenocarcinoma and was listed as a variant of unknown significance (Parry et al. 2017. PubMed ID: 28843361). This variant is within a region that has been described as a cold spot in which variants are not expected to be deleterious (Dines et al. 2020. PubMed ID: 31911673). It has been seen in both controls and cancer cases (Breast Cancer Association Consortium et al. 2021. PubMed ID: 33471991). This variant is reported in 0.0029% of alleles in individuals of Latino descent in gnomAD and is interpreted as likely benign and variant of uncertain significance in Clinvar. Although we suspect that this variant may be benign, at this time, the clinical significance of this variant is uncertain due to the absence of conclusive functional and genetic evidence.

Women's Health and Genetics/Laboratory Corporation of America, LabCorp
Classification: Uncertain significance. Last evaluated: 2024-06-25. Review status: criteria provided, single submitter. Criteria: LabCorp Variant Classification Summary - May 2015. Collection method: clinical testing. Allele origin: germline.
Comment: Variant summary: BRCA2 c.3458A>G (p.Lys1153Arg) results in a conservative amino acid change in the encoded protein sequence. Five of five in-silico tools predict a benign effect of the variant on protein function. The variant allele was found at a frequency of 1.2e-05 in 250984 control chromosomes. The available data on variant occurrences in the general population are insufficient to allow any conclusion about variant significance. c.3458A>G has been reported in the literature in at least one individual affected with lung adenocarcinoma (e.g. Lu_2015). These report(s) do not provide unequivocal conclusions about association of the variant with Hereditary Breast And Ovarian Cancer Syndrome. To our knowledge, no experimental evidence demonstrating an impact on protein function has been reported. The following publications have been ascertained in the context of this evaluation (PMID: 26689913, 28843361). ClinVar contains an entry for this variant (Variation ID: 51471). Based on the evidence outlined above, the variant was classified as uncertain significance.

Ambry Genetics
Classification: Likely benign for Hereditary cancer-predisposing syndrome. Last evaluated: 2024-03-28. Review status: criteria provided, single submitter. Criteria: Ambry Variant Classification Scheme 2023. Collection method: clinical testing. Allele origin: germline.

All of Us Research Program, National Institutes of Health
Classification: Uncertain significance for Breast-ovarian cancer, familial, susceptibility to, 2. Last evaluated: 2023-05-30. Review status: criteria provided, single submitter. Criteria: ACMG Guidelines, 2015. Collection method: clinical testing. Allele origin: germline. Inheritance: Autosomal dominant inheritance. Observed: 1 variant allele, 1 heterozygote.
Comment: This missense variant replaces lysine with arginine at codon 1153 of the BRCA2 protein. Computational prediction suggests that this variant may not impact protein structure and function (internally defined REVEL score threshold <= 0.5, PMID: 27666373). To our knowledge, functional studies have not been reported for this variant. This variant has been reported in a breast cancer case-control meta-analysis in 3/60463 cases and 2/53459 unaffected individuals (PMID: 33471991; Leiden Open Variation Database DB-ID BRCA2_007338) and a multifactorial analysis reported co-occurrence and family history likelihood ratios for pathogencity of 1.2148 and 0.508, respectively (PMID: 31131967). This variant has been identified in 3/250984 chromosomes in the general population by the Genome Aggregation Database (gnomAD). The available evidence is insufficient to determine the role of this variant in disease conclusively. Therefore, this variant is classified as a Variant of Uncertain Significance.

This study involves interpretation of variants in research participants for the purpose of population health screening. Participant phenotype was not available at the time of variant classification. Additional details can be found in publication PMID: 35346344, PMCID: PMC8962531

University of Washington Department of Laboratory Medicine, University of Washington
Classification: Likely benign for Hereditary cancer-predisposing syndrome. Last evaluated: 2023-03-23. Review status: criteria provided, single submitter. Criteria: Dines et al. (Genet Med. 2020). Collection method: curation. Allele origin: germline.
Comment: Missense variant in a coldspot region where missense variants are very unlikely to be pathogenic (PMID:31911673).

BRCA2 exon 11 coldspot. Reclassification based on statistical prior probability.

ARUP Laboratories, Molecular Genetics and Genomics, ARUP Laboratories
Classification: Uncertain significance. Last evaluated: 2020-11-08. Review status: criteria provided, single submitter. Criteria: ARUP Molecular Germline Variant Investigation Process 2021. Collection method: clinical testing. Allele origin: germline.
Comment: The BRCA2 c.3458A>G; p.Lys1153Arg variant (rs80358594), to our knowledge, is not reported in the medical literature but is reported in ClinVar (Variation ID: 51471). This variant is found on only three chromosomes (3/250984 alleles) in the Genome Aggregation Database. The lysine at codon 1153 is weakly conserved, and computational analyses predict that this variant is neutral (REVEL: 0.096). However, due to limited information, the clinical significance of the p.Lys1153Arg variant is uncertain at this time.

Quest Diagnostics Nichols Institute San Juan Capistrano
Classification: Uncertain significance. Last evaluated: 2020-11-05. Review status: criteria provided, single submitter. Criteria: Quest Diagnostics criteria. Collection method: clinical testing. Allele origin: unknown.

GeneDx
Classification: Uncertain significance. Last evaluated: 2020-09-02. Review status: criteria provided, single submitter. Criteria: GeneDx Variant Classification Process June 2021. Collection method: clinical testing. Allele origin: germline. Affected: yes.
Comment: Not observed at a significant frequency in large population cohorts (Lek 2016); In silico analysis supports that this missense variant does not alter protein structure/function; Has not been previously published as pathogenic or benign to our knowledge; Also known as 3686A>G; This variant is associated with the following publications: (PMID: 31131967)

Breast Cancer Information Core (BIC) (BRCA2)
Classification: Uncertain significance for Breast-ovarian cancer, familial 2. Last evaluated: 2004-02-20. Review status: no assertion criteria provided. Collection method: clinical testing. Allele origin: germline. Affected: yes. Observed: 3 variant alleles. Not counted in ClinVar's aggregate classification.

Literature cited by the submitters: PubMed 26689913 (cited by Women's Health and Genetics/Laboratory Corporation of America, LabCorp); PubMed 28843361 (cited by Women's Health and Genetics/Laboratory Corporation of America, LabCorp); PubMed 31131967 (cited by All of Us Research Program, National Institutes of Health); PubMed 33471991 (cited by All of Us Research Program, National Institutes of Health).

NM_000059.4(BRCA2):c.3458A>G (p.Lys1153Arg)

Gene: BRCA2 (BRCA2 DNA repair associated; plus strand). Cytogenetic location: 13q13.1.
Variant type: single nucleotide variant.
Coding change: c.3458A>G on transcript NM_000059.4 (MANE Select); coding-DNA position 3458, A replaced by G.
Protein change: p.Lys1153Arg; replaces lysine 1153 with arginine.
Molecular consequence: missense variant.
Genome position (GRCh38, 1-based): chr13:32,337,813, A>G. VCF-style: chr13-32337813-A-G. GRCh37 (hg19) VCF-style: chr13-32911950-A-G.
Other names: short protein forms K1153R.
Identifiers: ClinVar variation 51471 (VCV000051471.36), dbSNP rs80358594, ClinGen allele CA018105.